The following is an entry in ClinVar:

NM_001436401.1(NOBOX):c.38-293G>T

Gene: NOBOX (NOBOX oogenesis homeobox; minus strand). Cytogenetic location: 7q35.
Variant type: single nucleotide variant.
Coding change: c.38-293G>T on transcript NM_001436401.1 (MANE Select); 293 bases into the intron before coding-DNA position 38, G replaced by T.
Molecular consequence: intron variant.
Genome position (GRCh38, 1-based): chr7:144,401,890, C>A on the plus strand (G>T on the coding strand, the complement: NOBOX is on the minus strand). VCF-style: chr7-144401890-C-A. GRCh37 (hg19) VCF-style: chr7-144098983-C-A.
Other names: G91W; NM_001080413.3:c.271G>T; c.38-1578G>T (NM_001436402.1).
Identifiers: ClinVar variation 167874 (VCV000167874.12), dbSNP rs77587352, ClinGen allele CA180519.

ClinVar aggregate classification (germline): Conflicting classifications of pathogenicity. Review status: criteria provided, conflicting classifications (1 of 4 stars). 6 submissions from 6 submitters: Uncertain significance (2); Benign (2). 2 of the submissions do not count toward it. Last evaluated 2026-03-05.

Conditions:
NOBOX-related disorder. Also called: NOBOX-related condition.
Premature ovarian failure 5 (POF5). Identifiers: MedGen C1969060, MONDO:0012689, OMIM 611548.

Allele frequency attached by ClinVar (database versions not stated): gnomAD exomes 0.00079 and 0.00214; ExAC 0.00241; gnomAD 0.00792 and 0.00850; 1000 Genomes Project 0.00859; TOPMed 0.00877; ESP Exome Variant Server 0.00927; 1000 Genomes Project 30x 0.00984.
gnomAD v4.1: 2,422 of 1,611,800 alleles (0.15%); highest among the groups gnomAD compares: African/African-American, 2.6%; 41 homozygotes.

Submissions (6):

PreventionGenetics, part of Exact Sciences
Classification: Uncertain significance for NOBOX-related condition. Last evaluated: 2026-03-05. Review status: criteria provided, single submitter. Criteria: ACMG Guidelines, 2015. Collection method: clinical testing. Allele origin: germline.
Comment: The NOBOX c.271G>T variant is predicted to result in the amino acid substitution p.Gly91Trp. This variant has been reported in multiple patients with primary ovarian insufficiency (Bouilly et al. 2011. PubMed ID: 21837770; Bouilly et al. 2015. PubMed ID: 25514101; Bouali et al. 2016. PubMed ID: 26848058; Ferrari et al. 2016. PubMed ID: 27798098). In vitro functional studies indicated that this variant resulted in a reduction of 50% of GDF9 transcriptional activity and a total loss of the transactivation of KIT-L, when compared to wild-type (Bouilly et al. 2011. PubMed ID: 21837770; Bouilly et al. 2015. PubMed ID: 25514101; Ferrari et al. 2016. PubMed ID: 27798098). This variant was not found in ethnically-matched control women without fertility problems in several cohort studies (Bouilly et al. 2011. PubMed ID: 21837770; Bouilly et al. 2015. PubMed ID: 25514101; Bouali et al. 2016. PubMed ID: 26848058). However, this variant was observed in a large population database with an allele frequency of up to ~2.7% in African individuals, including 14 homozygotes. At this time, the clinical significance of this variant is uncertain due to the absence of conclusive functional and genetic evidence.

H3Africa Consortium
Classification: Benign. Last evaluated: 2020-10-28. Review status: criteria provided, single submitter. Criteria: Choudhury A et al. (Nature 2020). Collection method: research. Allele origin: germline. Study: H3Africa.
Comment: While the frequency of the alternate allele in gnoMAD v2.0.2 is 0.061, its frequency in African populations is >5%. This suggests that previous classifications of this variant as pathogenic are in error.

GeneDx
Classification: Uncertain significance. Last evaluated: 2020-09-14. Review status: criteria provided, single submitter. Criteria: GeneDx Variant Classification Process June 2021. Collection method: clinical testing. Allele origin: germline. Affected: yes.
Comment: Published functional studies demonstrate impaired autophagosomal degradation and decreased or defective transcriptional activity (Ferrari et al., 2016; Bouilly et al., 2011).; In silico analysis supports that this missense variant does not alter protein structure/function; This variant is associated with the following publications: (PMID: 33095795, 31589614, 31293321, 21837770, 27798098, 26848058, 25514101)

Labcorp Genetics (formerly Invitae), Labcorp
Classification: Benign. Last evaluated: 2019-12-31. Review status: criteria provided, single submitter. Criteria: Invitae Variant Classification Sherloc (09022015). Collection method: clinical testing. Allele origin: germline.

Reproductive Health Research and Development, BGI Genomics
Classification: Likely pathogenic for Premature ovarian failure 5. Last evaluated: 2020-01-06. Review status: no assertion criteria provided. Collection method: curation. Allele origin: germline. Not counted in ClinVar's aggregate classification.
Comment: NM_001080413.3:c.271G>T in the NOBOX gene has an allele frequency of 0.028 in African subpopulation in the gnomAD database. The NOBOX c.271G>T (p.Gly91Trp) variant has been identified in five individuals affected with primary ovarian insufficiency (PMID: 25514101; 21837770). Functional studies of NOBOX variants revealed that p.Gly91Trp was deleterious for protein function (PMID: 25514101). Taken together, we interprete this variant as Pathogenic/Likely pathogenic. ACMG/AMP Criteria applied: PS3; PP4; PS4_Supporting.

OMIM
Classification: Pathogenic for PREMATURE OVARIAN FAILURE 5. Last evaluated: 2014-12-16. Review status: no assertion criteria provided. Collection method: literature only. Allele origin: germline. Not counted in ClinVar's aggregate classification.

Literature cited by the submitters: PubMed 21837770 (cited by OMIM); PubMed 25514101 (cited by OMIM).